The following is an entry in ClinVar:

NM_015102.5(NPHP4):c.1273G>A (p.Val425Ile)

Gene: NPHP4 (nephrocystin 4; minus strand). Cytogenetic location: 1p36.31.
Variant type: single nucleotide variant.
Coding change: c.1273G>A on transcript NM_015102.5 (MANE Select); coding-DNA position 1273, G replaced by A.
Protein change: p.Val425Ile; replaces valine 425 with isoleucine.
Molecular consequence: missense variant. On other transcripts: 5 prime UTR variant (2), non-coding transcript variant (1).
Genome position (GRCh38, 1-based): chr1:5,933,176, C>T on the plus strand (G>A on the coding strand, the complement: NPHP4 is on the minus strand). VCF-style: chr1-5933176-C-T. GRCh37 (hg19) VCF-style: chr1-5993236-C-T.
Other names: c.-94G>A (NM_001291593.2, NM_001291594.2); short protein forms V425I.
Identifiers: ClinVar variation 3586929 (VCV003586929.7).

ClinVar aggregate classification (germline): Uncertain significance. Review status: criteria provided, multiple submitters, no conflicts (2 of 4 stars). 3 submissions from 3 submitters: Uncertain significance (3). Last evaluated 2025-12-01.

Conditions:
Nephronophthisis 4 (NPHP4). Also called: NEPHRONOPHTHISIS 4, JUVENILE. Identifiers: Orphanet 655, MedGen C1847013, MONDO:0011752, OMIM 606966.
Senior-Loken syndrome 4 (SLSN4). Identifiers: Orphanet 3156, MedGen C1846979, MONDO:0011756, OMIM 606996.

gnomAD v4.1: 25 of 1,601,850 alleles (0.0016%); highest among the groups gnomAD compares: Non-Finnish European, 0.0018%; no homozygotes.

Submissions (3):

CeGaT Center for Human Genetics Tuebingen
Classification: Uncertain significance. Last evaluated: 2025-12-01. Review status: criteria provided, single submitter. Criteria: CeGaT Center For Human Genetics Tuebingen Variant Classification Criteria Version 2. Collection method: clinical testing. Allele origin: germline. Affected: yes. Observed: 1 variant allele.
Comment: NPHP4: PM2, BP4

Fulgent Genetics
Classification: Uncertain significance for Nephronophthisis 4; Senior-Loken syndrome 4. Last evaluated: 2024-06-15. Review status: criteria provided, single submitter. Criteria: ACMG Guidelines, 2015. Collection method: clinical testing. Allele origin: germline.

Blueprint Genetics
Classification: Uncertain significance. Last evaluated: 2022-05-08. Review status: criteria provided, single submitter. Criteria: ACMG Guidelines, 2015. Collection method: clinical testing. Allele origin: germline.